The following is an entry in ClinVar:

ClinVar aggregate classification (germline): Uncertain significance (1 of 4 stars; one submission).

gnomAD v4.1: 3 of 1,614,052 alleles (0.00019%); highest among the groups gnomAD compares: African/African-American, 0.0013%; no homozygotes.

Submission:

Labcorp Genetics (formerly Invitae), Labcorp
Classification: Uncertain significance. Last evaluated: 2023-04-18. Review status: criteria provided, single submitter. Criteria: Invitae Variant Classification Sherloc (09022015). Collection method: clinical testing. Allele origin: germline.
Comment: This sequence change affects codon 218 of the PRPF8 mRNA. It is a 'silent' change, meaning that it does not change the encoded amino acid sequence of the PRPF8 protein. It affects a nucleotide within the consensus splice site. This variant is present in population databases (rs768419857, gnomAD 0.0009%). In summary, the available evidence is currently insufficient to determine the role of this variant in disease. Therefore, it has been classified as a Variant of Uncertain Significance. Algorithms developed to predict the effect of sequence changes on RNA splicing suggest that this variant is not likely to affect RNA splicing. This variant has not been reported in the literature in individuals affected with PRPF8-related conditions.

NM_006445.4(PRPF8):c.654G>A (p.Lys218=)

Gene: PRPF8 (pre-mRNA processing factor 8; minus strand). Cytogenetic location: 17p13.3.
Variant type: single nucleotide variant.
Coding change: c.654G>A on transcript NM_006445.4 (MANE Select); coding-DNA position 654, G replaced by A.
Protein change: p.Lys218=; no amino-acid change (lysine 218 retained).
Molecular consequence: synonymous variant.
Genome position (GRCh38, 1-based): chr17:1,681,690, C>T on the plus strand (G>A on the coding strand, the complement: PRPF8 is on the minus strand). VCF-style: chr17-1681690-C-T. GRCh37 (hg19) VCF-style: chr17-1584984-C-T.
Identifiers: ClinVar variation 2983860 (VCV002983860.3), dbSNP rs768419857, ClinGen allele CA8272567.